The following is an entry in ClinVar:

NM_014946.4(SPAST):c.20G>T (p.Arg7Leu)

Gene: SPAST (spastin; plus strand). Cytogenetic location: 2p22.3.
Variant type: single nucleotide variant.
Coding change: c.20G>T on transcript NM_014946.4 (MANE Select); coding-DNA position 20, G replaced by T.
Protein change: p.Arg7Leu; replaces arginine 7 with leucine.
Molecular consequence: missense variant.
Genome position (GRCh38, 1-based): chr2:32,063,851, G>T. VCF-style: chr2-32063851-G-T. GRCh37 (hg19) VCF-style: chr2-32288920-G-T.
Other names: c.20G>T, p.Arg7Leu (NM_001363823.2, NM_001363875.2, NM_001377959.1 and 1 more transcripts); short protein forms R7L.
Identifiers: ClinVar variation 1430837 (VCV001430837.6), dbSNP rs750900931, ClinGen allele CA1600455.
Genomic context (GRCh38, chr2:32,063,851, plus strand): 5'-CGGGAGGCGGGTTATGGCGGCGGCGGCAGTGAGAGCTGTGAATGAATTCTCCGGGTGGAC[G>T]AGGGAAGAAGAAAGGCTCCGGCGGCGCCAGCAACCCGGTGCCTCCCAGGCCTCCGCCCCC-3'
Protein context (NP_055761.2, residues 1-17): MNSPGG[Arg7Leu]GKKKGSGGAS

ClinVar aggregate classification (germline): Uncertain significance (1 of 4 stars; one submission).

Conditions:
Hereditary spastic paraplegia 4. Also called: Spastic paraplegia 4, autosomal dominant; Familial spastic paraplegia autosomal dominant 2; Spastic Paraplegia 4. Identifiers: Orphanet 100985, MedGen C1866855, MONDO:0008438, OMIM 182601.

gnomAD v4.1: 4 of 1,581,718 alleles (0.00025%); highest among the groups gnomAD compares: East Asian, 0.0023%; no homozygotes.

Submission:

Labcorp Genetics (formerly Invitae), Labcorp
Classification: Uncertain significance for Hereditary spastic paraplegia 4. Last evaluated: 2021-08-11. Review status: criteria provided, single submitter. Criteria: Invitae Variant Classification Sherloc (09022015). Collection method: clinical testing. Allele origin: germline.
Comment: The frequency data for this variant in the population databases is considered unreliable, as metrics indicate poor data quality at this position in the ExAC database. This sequence change replaces arginine with leucine at codon 7 of the SPAST protein (p.Arg7Leu). The arginine residue is moderately conserved and there is a moderate physicochemical difference between arginine and leucine. This variant has not been reported in the literature in individuals affected with SPAST-related conditions. In summary, the available evidence is currently insufficient to determine the role of this variant in disease. Therefore, it has been classified as a Variant of Uncertain Significance. Advanced modeling of protein sequence and biophysical properties (such as structural, functional, and spatial information, amino acid conservation, physicochemical variation, residue mobility, and thermodynamic stability) performed at Invitae indicates that this missense variant is not expected to disrupt SPAST protein function.